The following is an entry in ClinVar:

NM_000062.3(SERPING1):c.818_820del (p.Lys273del)

Gene: SERPING1 (serpin family G member 1; plus strand). Cytogenetic location: 11q12.1.
Variant type: Deletion.
Coding change: c.818_820del on transcript NM_000062.3 (MANE Select); coding-DNA positions 818 to 820, 3 bases deleted (AGA; older notation c.818_820delAGA).
Protein change: p.Lys273del; deletes lysine 273.
Genome position (GRCh38, 1-based): chr11:57,606,142-57,606,144, AGA deleted; deleting any 3 consecutive bases within chr11:57,606,141-57,606,144 gives the same sequence; the c. name uses the placement nearest the transcript's 3' end. VCF-style (leftmost placement, unchanged base first): chr11-57606140-CAAG-C. GRCh37 (hg19) VCF-style: chr11-57373613-CAAG-C.
Other names: c.818_820del, p.Lys273del (NM_001032295.2); short protein forms K273del.
Identifiers: ClinVar variation 3717125 (VCV003717125.2).
Genomic context (GRCh38, chr11:57,606,140, plus strand): 5'-CAACAACAGTGACGCCAACTTGGAGCTCATCAACACCTGGGTGGCCAAGAACACCAACAA[CAAG>C]ATCAGCCGGCTGCTAGACAGTCTGCCCTCCGATACCCGCCTTGTCCTCCTCAATGCTATC-3'

ClinVar aggregate classification (germline): Uncertain significance (1 of 4 stars; one submission).

Submission:

Labcorp Genetics (formerly Invitae), Labcorp
Classification: Uncertain significance. Last evaluated: 2024-07-30. Review status: criteria provided, single submitter. Criteria: Invitae Variant Classification Sherloc (09022015). Collection method: clinical testing. Allele origin: germline.
Comment: This variant, c.818_820del, results in the deletion of 1 amino acid(s) of the SERPING1 protein (p.Lys273del), but otherwise preserves the integrity of the reading frame. This variant is not present in population databases (gnomAD no frequency). This variant has been observed in individuals with clinical features of autosomal dominant hereditary angioedema (PMID: 2118657; Invitae). This variant is also known as Lys251del. Algorithms developed to predict the effect of variants on gene product structure and function are not available or were not evaluated for this variant. Experimental studies have shown that this variant affects SERPING1 function (PMID: 2118657). In summary, the available evidence is currently insufficient to determine the role of this variant in disease. Therefore, it has been classified as a Variant of Uncertain Significance.

Literature cited by the submitters: PubMed 2118657.